The following is an entry in ClinVar:

ClinVar aggregate classification (germline): Uncertain significance (1 of 4 stars; one submission).

Conditions:
Ehlers-Danlos syndrome, classic type, 1 (EDSCL1). Also called: EHLERS-DANLOS SYNDROME, GRAVIS TYPE; EHLERS-DANLOS SYNDROME, SEVERE CLASSIC TYPE; Ehlers-Danlos syndrome, type 1; Ehlers-Danlos Syndrome, Classic Type, COL5A1-Related; EDS I. Identifiers: MedGen C0268335, MONDO:0019567, OMIM 130000.
Osteogenesis imperfecta type I (OI1). Also called: OI, TYPE I; OSTEOGENESIS IMPERFECTA TARDA; OSTEOGENESIS IMPERFECTA WITH BLUE SCLERAE; Osteogenesis imperfecta type 1; Lobstein's Disease; Lobstein disease. Identifiers: Orphanet 216796, Orphanet 666, MedGen C0023931, MONDO:0008146, OMIM 166200. Disease mechanism: loss of function.

Submission:

Labcorp Genetics (formerly Invitae), Labcorp
Classification: Uncertain significance for Osteogenesis imperfecta type I; Ehlers-Danlos syndrome, classic type, 1. Last evaluated: 2025-06-04. Review status: criteria provided, single submitter. Criteria: Invitae Variant Classification Sherloc (09022015). Collection method: clinical testing. Allele origin: germline.
Comment: This sequence change replaces proline, which is neutral and non-polar, with leucine, which is neutral and non-polar, at codon 870 of the COL1A2 protein (p.Pro870Leu). This variant is not present in population databases (gnomAD no frequency). This variant has not been reported in the literature in individuals affected with COL1A2-related conditions. Invitae Evidence Modeling of protein sequence and biophysical properties (such as structural, functional, and spatial information, amino acid conservation, physicochemical variation, residue mobility, and thermodynamic stability) indicates that this missense variant is not expected to disrupt COL1A2 protein function with a negative predictive value of 95%. In summary, the available evidence is currently insufficient to determine the role of this variant in disease. Therefore, it has been classified as a Variant of Uncertain Significance.

NM_000089.4(COL1A2):c.2609C>T (p.Pro870Leu)

Gene: COL1A2 (collagen type I alpha 2 chain; plus strand). Cytogenetic location: 7q21.3.
Variant type: single nucleotide variant.
Coding change: c.2609C>T on transcript NM_000089.4 (MANE Select); coding-DNA position 2609, C replaced by T.
Protein change: p.Pro870Leu; replaces proline 870 with leucine.
Molecular consequence: missense variant.
Genome position (GRCh38, 1-based): chr7:94,424,379, C>T. VCF-style: chr7-94424379-C-T. GRCh37 (hg19) VCF-style: chr7-94053691-C-T.
Other names: short protein forms P870L.
Identifiers: ClinVar variation 4783366 (VCV004783366.1).